The following is an entry in ClinVar:

GRCh38/hg38 Xq28(chrX:155717169-156022206)x3

Genes: IL9R (interleukin 9 receptor; plus strand), SPRY3 (sprouty RTK signaling antagonist 3; plus strand), VAMP7 (vesicle associated membrane protein 7; plus strand), WASIR1 (WASH and IL9R antisense RNA 1; minus strand), LOC107522039 (meiotic recombination hotspot PAR2; plus strand) and 1 more. Cytogenetic location: Xq28.
Variant type: copy number gain.
Change: copy number 3 of chrX:155,717,169-156,022,206 (305.0 kb, GRCh38 coordinates, 1-based), cytogenetic band Xq28.
Identifiers: ClinVar variation 60449 (VCV000060449.2).

ClinVar aggregate classification (germline): Uncertain significance (1 of 4 stars; one submission).

Submission:

ISCA site 17
Classification: Uncertain significance. Last evaluated: 2011-08-12. Review status: criteria provided, single submitter. Criteria: Kaminsky et al. (Genet Med. 2011). Collection method: clinical testing. Allele origin: unknown. Affected: yes. Observed: 1 variant allele.
Comment: Copy number variation identified through the course of routine clinical cytogenomic testing in postnatal populations. Clinical assertions have been curated as described in Kaminsky et al. 2011.